The following is an entry in ClinVar:

ClinVar aggregate classification (germline): Uncertain significance. Review status: criteria provided, multiple submitters, no conflicts (2 of 4 stars). 3 submissions from 3 submitters: Uncertain significance (3). Last evaluated 2026-10-13.

Conditions:
Autosomal recessive nonsyndromic hearing loss 9. Also called: Deafness, autosomal recessive 9; NEUROSENSORY NONSYNDROMIC RECESSIVE DEAFNESS 9; AUDITORY NEUROPATHY, AUTOSOMAL RECESSIVE, 1, TEMPERATURE-SENSITIVE; OTOF-Related Hearing Loss. Identifiers: Orphanet 90636, MedGen C1832828, MONDO:0010986, OMIM 601071.

Allele frequency attached by ClinVar (database versions not stated): gnomAD 0.00001; gnomAD exomes 0.00001; ExAC 0.00002; TOPMed 0.00003.
gnomAD v4.1: 15 of 1,614,074 alleles (0.00093%); highest among the groups gnomAD compares: East Asian, 0.011%; no homozygotes.

Submissions (3):

GeneDx
Classification: Uncertain significance. Last evaluated: 2026-10-13. Review status: criteria provided, single submitter. Criteria: GeneDx Variant Classification Process June 2021. Collection method: clinical testing. Allele origin: germline.
Comment: Not observed at significant frequency in large population cohorts (gnomAD); In silico analysis supports that this missense variant has a deleterious effect on protein structure/function; Has not been previously published as pathogenic or benign to our knowledge

Labcorp Genetics (formerly Invitae), Labcorp
Classification: Uncertain significance. Last evaluated: 2022-04-24. Review status: criteria provided, single submitter. Criteria: Invitae Variant Classification Sherloc (09022015). Collection method: clinical testing. Allele origin: germline.
Comment: This sequence change replaces aspartic acid, which is acidic and polar, with asparagine, which is neutral and polar, at codon 1475 of the OTOF protein (p.Asp1475Asn). This variant is present in population databases (rs759839598, gnomAD 0.006%). This variant has not been reported in the literature in individuals affected with OTOF-related conditions. Algorithms developed to predict the effect of missense changes on protein structure and function are either unavailable or do not agree on the potential impact of this missense change (SIFT: "Deleterious"; PolyPhen-2: "Probably Damaging"; Align-GVGD: "Class C15"). In summary, the available evidence is currently insufficient to determine the role of this variant in disease. Therefore, it has been classified as a Variant of Uncertain Significance.

Victorian Clinical Genetics Services, Murdoch Childrens Research Institute
Classification: Uncertain significance for Autosomal recessive nonsyndromic hearing loss 9. Last evaluated: 2022-02-02. Review status: criteria provided, single submitter. Criteria: ACMG Guidelines, 2015. Collection method: clinical testing. Allele origin: germline. Inheritance: Autosomal recessive inheritance. Affected: yes.
Comment: Based on the classification scheme VCGS_Germline_v1.3.4, this variant is classified as VUS-3B. Following criteria are met: 0102 - Loss of function is a known mechanism of disease in this gene and is associated with auditory neuropathy, autosomal recessive 1, and deafness, autosomal recessive 9 (MIM#601071). (I) 0106 - This gene is associated with autosomal recessive disease. (I) 0200 - Variant is predicted to result in a missense amino acid change from aspartic acid to asparagine. (I) 0251 - This variant is heterozygous. (I) 0304 - Variant is present in gnomAD (v2) <0.01 for a recessive condition (3 heterozygotes, 0 homozyotes). (SP) 0502 - Missense variant with conflicting in silico predictions and uninformative conservation. (I) 0604 - Variant is not located in an established domain, motif, hotspot or informative constraint region. (I) 0705 - No comparable missense variants have previous evidence for pathogenicity. (I) 0807 - This variant has no previous evidence of pathogenicity. (I) 0905 - No published segregation evidence has been identified for this variant. (I) 1007 - No published functional evidence has been identified for this variant. (I) 1208 - Inheritance information for this variant is not currently available in this individual. (I)

NM_194248.3(OTOF):c.4423G>A (p.Asp1475Asn)

Gene: OTOF (otoferlin; minus strand). Cytogenetic location: 2p23.3.
Variant type: single nucleotide variant.
Coding change: c.4423G>A on transcript NM_194248.3 (MANE Select); coding-DNA position 4423, G replaced by A.
Protein change: p.Asp1475Asn; replaces aspartic acid 1475 with asparagine.
Molecular consequence: missense variant.
Genome position (GRCh38, 1-based): chr2:26,466,791, C>T on the plus strand (G>A on the coding strand, the complement: OTOF is on the minus strand). VCF-style: chr2-26466791-C-T. GRCh37 (hg19) VCF-style: chr2-26689659-C-T.
Other names: c.4423G>A, p.Asp1475Asn (NM_001287489.2); c.2122G>A, p.Asp708Asn (NM_004802.4, NM_194323.3); c.2353G>A, p.Asp785Asn (NM_194322.3); short protein forms D1475N, D708N, D785N.
Identifiers: ClinVar variation 1699388 (VCV001699388.8), dbSNP rs759839598, ClinGen allele CA1563168.
Genomic context (GRCh38, chr2:26,466,791, plus strand): 5'-GGACCAGCACATTGATGGGGTCATTGCTCGGGATGCCCTGGAACATGCCGTAGGTGGAGT[C>T]GTAGCCGGCTTCCCGGGACACGTCCTCTGGGAGTGGCACTTTGTACACGCAGAGGGAGCC-3'
Protein context (NP_919224.1, residues 1465-1485): PEDVSREAGY[Asp1475Asn]STYGMFQGIP